The following is an entry in ClinVar:

ClinVar aggregate classification (germline): Likely benign (1 of 4 stars; one submission).

gnomAD v4.1: 1 of 1,581,406 alleles (0.000063%); highest among the groups gnomAD compares: Non-Finnish European, 0.000087%; no homozygotes.

Submission:

CeGaT Center for Human Genetics Tuebingen
Classification: Likely benign. Last evaluated: 2026-07-01. Review status: criteria provided, single submitter. Criteria: CeGaT Center For Human Genetics Tuebingen Variant Classification Criteria Version 2. Collection method: clinical testing. Allele origin: germline. Affected: yes. Observed: 1 variant allele.
Comment: SPATA31H1: BP4, BP7

NM_032266.5(SPATA31H1):c.15144A>G (p.Arg5048=)

Gene: SPATA31H1 (SPATA31 subfamily H member 1; plus strand). Cytogenetic location: 2p23.3.
Variant type: single nucleotide variant.
Coding change: c.15144A>G on transcript NM_032266.5 (MANE Select); coding-DNA position 15144, A replaced by G.
Protein change: p.Arg5048=; no amino-acid change (arginine 5048 retained).
Molecular consequence: synonymous variant.
Genome position (GRCh38, 1-based): chr2:27,581,504, A>G. VCF-style: chr2-27581504-A-G. GRCh37 (hg19) VCF-style: chr2-27804371-A-G.
Identifiers: ClinVar variation 5038552 (VCV005038552.1).